The following is an entry in ClinVar:

ClinVar aggregate classification (germline): Uncertain significance (1 of 4 stars; one submission).

Allele frequency attached by ClinVar (database versions not stated): ExAC 0.00001; gnomAD 0.00001; TOPMed 0.00001.
gnomAD v4.1: 8 of 1,599,022 alleles (0.0005%); highest among the groups gnomAD compares: Middle Eastern, 0.023%; no homozygotes.

Submission:

GeneDx
Classification: Uncertain significance. Last evaluated: 2025-04-13. Review status: criteria provided, single submitter. Criteria: GeneDx Variant Classification Process June 2021. Collection method: clinical testing. Allele origin: germline.
Comment: In silico analysis indicates that this missense variant does not alter protein structure/function; Has not been previously published as pathogenic or benign to our knowledge

NM_001346249.2(RALGAPA1):c.4073C>T (p.Ala1358Val)

Gene: RALGAPA1 (Ral GTPase activating protein catalytic subunit alpha 1; minus strand). Cytogenetic location: 14q13.2.
Variant type: single nucleotide variant.
Coding change: c.4073C>T on transcript NM_001346249.2 (MANE Select); coding-DNA position 4073, C replaced by T.
Protein change: p.Ala1358Val; replaces alanine 1358 with valine.
Molecular consequence: missense variant.
Genome position (GRCh38, 1-based): chr14:35,686,546, G>A on the plus strand (C>T on the coding strand, the complement: RALGAPA1 is on the minus strand). VCF-style: chr14-35686546-G-A. GRCh37 (hg19) VCF-style: chr14-36155752-G-A.
Other names: c.2594C>T, p.Ala865Val (NM_001283043.3); c.2696C>T, p.Ala899Val (NM_001283044.3, NM_001346245.2, NM_001346247.2); c.3932C>T, p.Ala1311Val (NM_001330075.3, NM_001346248.2); c.2555C>T, p.Ala852Val (NM_001346243.2, NM_001346246.2, NM_014990.3 and 1 more transcripts); short protein forms A1311V, A1358V, A852V, A865V, A899V.
Identifiers: ClinVar variation 2577779 (VCV002577779.2), dbSNP rs773120857, ClinGen allele CA7156813.